The following is an entry in ClinVar:

ClinVar aggregate classification (germline): Conflicting classifications of pathogenicity. Review status: criteria provided, conflicting classifications (1 of 4 stars). 4 submissions from 4 submitters: Uncertain significance (2); Likely benign (1). 1 of the submissions does not count toward it. Last evaluated 2026-09-25.

Conditions:
COL11A2-related disorder. Also called: COL11A2-related condition; COL11A2-related disorders.

Allele frequency attached by ClinVar (database versions not stated): gnomAD exomes 0.00008 and 0.00005; TOPMed 0.00013; 1000 Genomes Project 30x 0.00016; gnomAD 0.00026 and 0.00025; ExAC 0.00008; 1000 Genomes Project 0.00020.
gnomAD v4.1: 106 of 1,612,992 alleles (0.0066%); highest among the groups gnomAD compares: Admixed American, 0.06%; no homozygotes.

Submissions (4):

GeneDx
Classification: Uncertain significance. Last evaluated: 2026-09-25. Review status: criteria provided, single submitter. Criteria: GeneDx Variant Classification Process June 2021. Collection method: clinical testing. Allele origin: germline.
Comment: In silico analysis supports that this missense variant has a deleterious effect on protein structure/function; Has not been previously published as pathogenic or benign to our knowledge

Labcorp Genetics (formerly Invitae), Labcorp
Classification: Likely benign. Last evaluated: 2025-12-01. Review status: criteria provided, single submitter. Criteria: Invitae Variant Classification Sherloc (09022015). Collection method: clinical testing. Allele origin: germline.

Revvity Omics, Revvity
Classification: Uncertain significance. Last evaluated: 2022-04-19. Review status: criteria provided, single submitter. Criteria: ACMG Guidelines, 2015. Collection method: clinical testing. Allele origin: germline.

PreventionGenetics, part of Exact Sciences
Classification: Uncertain significance for COL11A2-related condition. Last evaluated: 2024-01-19. Review status: no assertion criteria provided. Collection method: clinical testing. Allele origin: germline. Not counted in ClinVar's aggregate classification.
Comment: The COL11A2 c.5087C>T variant is predicted to result in the amino acid substitution p.Thr1696Met. To our knowledge, this variant has not been reported in the literature. This variant is reported in 0.020% of alleles in individuals of Latino descent in gnomAD. At this time, the clinical significance of this variant is uncertain due to the absence of conclusive functional and genetic evidence.

NM_080680.3(COL11A2):c.5087C>T (p.Thr1696Met)

Gene: COL11A2 (collagen type XI alpha 2 chain; minus strand). Cytogenetic location: 6p21.32.
Variant type: single nucleotide variant.
Coding change: c.5087C>T on transcript NM_080680.3 (MANE Select); coding-DNA position 5087, C replaced by T.
Protein change: p.Thr1696Met; replaces threonine 1696 with methionine.
Molecular consequence: missense variant.
Genome position (GRCh38, 1-based): chr6:33,163,802, G>A on the plus strand (C>T on the coding strand, the complement: COL11A2 is on the minus strand). VCF-style: chr6-33163802-G-A. GRCh37 (hg19) VCF-style: chr6-33131579-G-A.
Other names: c.4766C>T, p.Thr1589Met (NM_080679.3); c.4829C>T, p.Thr1610Met (NM_080681.3); short protein forms T1589M, T1610M, T1696M.
Identifiers: ClinVar variation 1300806 (VCV001300806.19), dbSNP rs570708095, ClinGen allele CA3749907.
Genomic context (GRCh38, chr6:33,163,802, plus strand): 5'-GAGAAGGAGGCATCCAGCACTGGCAGCTGCTCCAGCACAGGCGTTCGCACCTCCAGCACC[G>A]TCCGGCCTTGCTGTGTCTTCAGGGGGAGACAAGGAAGAAAGTGTGAGCAGGATGGAGGCA-3'
Protein context (NP_542411.2, residues 1686-1706): RDGCQTQQGR[Thr1696Met]VLEVRTPVLE